The following is an entry in ClinVar:

NM_006118.4(HAX1):c.595G>A (p.Val199Ile)

Gene: HAX1 (HCLS1 associated protein X-1; plus strand). Cytogenetic location: 1q21.3.
Variant type: single nucleotide variant.
Coding change: c.595G>A on transcript NM_006118.4 (MANE Select); coding-DNA position 595, G replaced by A.
Protein change: p.Val199Ile; replaces valine 199 with isoleucine.
Molecular consequence: missense variant.
Genome position (GRCh38, 1-based): chr1:154,275,192, G>A. VCF-style: chr1-154275192-G-A. GRCh37 (hg19) VCF-style: chr1-154247668-G-A.
Other names: c.451G>A, p.Val151Ile (NM_001018837.2); short protein forms V199I, V151I.
Identifiers: ClinVar variation 3856886 (VCV003856886.1).

ClinVar aggregate classification (germline): Uncertain significance (1 of 4 stars; one submission).

Conditions:
Inborn genetic diseases. Identifiers: MedGen C0950123, MeSH D030342.

Submission:

Ambry Genetics
Classification: Uncertain significance for Inborn genetic diseases. Last evaluated: 2025-02-08. Review status: criteria provided, single submitter. Criteria: Ambry Variant Classification Scheme 2023. Collection method: clinical testing. Allele origin: germline.
Comment: The p.V199I variant (also known as c.595G>A), located in coding exon 5 of the HAX1 gene, results from a G to A substitution at nucleotide position 595. The valine at codon 199 is replaced by isoleucine, an amino acid with highly similar properties. This amino acid position is conserved. In addition, this alteration is predicted to be tolerated by in silico analysis. Based on the available evidence, the clinical significance of this variant remains unclear.